The following is an entry in ClinVar:

ClinVar aggregate classification (germline): Uncertain significance. Review status: criteria provided, multiple submitters, no conflicts (2 of 4 stars). 2 submissions from 2 submitters: Uncertain significance (2). Last evaluated 2022-06-19.

Conditions:
Hereditary cancer-predisposing syndrome. Also called: Tumor predisposition; Hereditary Cancer Syndrome; Hereditary neoplastic syndrome; Neoplastic Syndromes, Hereditary. Identifiers: Orphanet 140162, MedGen C0027672, MeSH D009386, MONDO:0015356.
Hereditary pheochromocytoma and paraganglioma. Also called: Hereditary paragangliomas and pheochromocytomas; Hereditary Paraganglioma-Pheochromocytoma Syndromes; Hereditary pheochromocytoma-paraganglioma. Identifiers: Orphanet 29072, MedGen C4274332, MONDO:0017366.

Submissions (2):

Labcorp Genetics (formerly Invitae), Labcorp
Classification: Uncertain significance for Hereditary pheochromocytoma and paraganglioma. Last evaluated: 2022-06-19. Review status: criteria provided, single submitter. Criteria: Invitae Variant Classification Sherloc (09022015). Collection method: clinical testing. Allele origin: germline.
Comment: This variant has not been reported in the literature in individuals affected with SDHAF2-related conditions. This sequence change replaces tyrosine, which is neutral and polar, with serine, which is neutral and polar, at codon 35 of the SDHAF2 protein (p.Tyr35Ser). This variant is not present in population databases (gnomAD no frequency). Algorithms developed to predict the effect of missense changes on protein structure and function are either unavailable or do not agree on the potential impact of this missense change (SIFT: "Deleterious"; PolyPhen-2: "Possibly Damaging"; Align-GVGD: "Class C0"). In summary, the available evidence is currently insufficient to determine the role of this variant in disease. Therefore, it has been classified as a Variant of Uncertain Significance.

Ambry Genetics
Classification: Uncertain significance for Hereditary cancer-predisposing syndrome. Last evaluated: 2022-06-08. Review status: criteria provided, single submitter. Criteria: Ambry Variant Classification Scheme 2023. Collection method: clinical testing. Allele origin: germline.
Comment: The p.Y35S variant (also known as c.104A>C), located in coding exon 2 of the SDHAF2 gene, results from an A to C substitution at nucleotide position 104. The tyrosine at codon 35 is replaced by serine, an amino acid with dissimilar properties. This amino acid position is conserved. In addition, the in silico prediction for this alteration is inconclusive. Since supporting evidence is limited at this time, the clinical significance of this alteration remains unclear.

NM_017841.4(SDHAF2):c.104A>C (p.Tyr35Ser)

Gene: SDHAF2 (succinate dehydrogenase complex assembly factor 2; plus strand). Cytogenetic location: 11q12.2.
Variant type: single nucleotide variant.
Coding change: c.104A>C on transcript NM_017841.4 (MANE Select); coding-DNA position 104, A replaced by C.
Protein change: p.Tyr35Ser; replaces tyrosine 35 with serine.
Molecular consequence: missense variant.
Genome position (GRCh38, 1-based): chr11:61,437,692, A>C. VCF-style: chr11-61437692-A-C. GRCh37 (hg19) VCF-style: chr11-61205164-A-C.
Other names: short protein forms Y35S.
Identifiers: ClinVar variation 1493062 (VCV001493062.8), dbSNP rs1330914865, ClinGen allele CA380683070.